The following is an entry in ClinVar:

ClinVar aggregate classification (germline): Likely pathogenic. Review status: criteria provided, multiple submitters, no conflicts (2 of 4 stars). 2 submissions from 2 submitters: Likely pathogenic (2). Last evaluated 2024-01-31.

Conditions:
Polycystic kidney disease 4 (PKD4). Also called: Autosomal Recessive Polycystic Kidney Disease – PKHD1; POLYCYSTIC KIDNEY AND HEPATIC DISEASE 1; POLYCYSTIC KIDNEY DISEASE, INFANTILE, TYPE I; POLYCYSTIC KIDNEY DISEASE 4 WITH OR WITHOUT POLYCYSTIC LIVER DISEASE; PKD3. Identifiers: MedGen C4540575, MONDO:0033004, OMIM 263200.
Autosomal recessive polycystic kidney disease (ARPKD). Also called: AR polycystic kidney disease. Identifiers: Orphanet 731, Orphanet 8378, MedGen C0085548, MeSH D017044, MONDO:0009889.

Allele frequency attached by ClinVar (database versions not stated): TOPMed below 0.00001.

Submissions (2):

Fulgent Genetics
Classification: Likely pathogenic for Polycystic kidney disease 4. Last evaluated: 2024-01-31. Review status: criteria provided, single submitter. Criteria: ACMG Guidelines, 2015. Collection method: clinical testing. Allele origin: germline.

Labcorp Genetics (formerly Invitae), Labcorp
Classification: Likely pathogenic for Autosomal recessive polycystic kidney disease. Last evaluated: 2022-09-18. Review status: criteria provided, single submitter. Criteria: Invitae Variant Classification Sherloc (09022015). Collection method: clinical testing. Allele origin: germline.
Comment: This sequence change replaces glycine, which is neutral and non-polar, with arginine, which is basic and polar, at codon 1053 of the PKHD1 protein (p.Gly1053Arg). This variant is not present in population databases (gnomAD no frequency). This missense change has been observed in individual(s) with polycystic kidney disease (PMID: 24162162). In at least one individual the data is consistent with being in trans (on the opposite chromosome) from a pathogenic variant. Advanced modeling of protein sequence and biophysical properties (such as structural, functional, and spatial information, amino acid conservation, physicochemical variation, residue mobility, and thermodynamic stability) performed at Invitae indicates that this missense variant is expected to disrupt PKHD1 protein function. In summary, the currently available evidence indicates that the variant is pathogenic, but additional data are needed to prove that conclusively. Therefore, this variant has been classified as Likely Pathogenic.

Literature cited by the submitters: PubMed 24162162 (cited by Labcorp Genetics (formerly Invitae), Labcorp).

NM_138694.4(PKHD1):c.3157G>C (p.Gly1053Arg)

Gene: PKHD1 (PKHD1 ciliary IPT domain containing fibrocystin/polyductin; minus strand). Cytogenetic location: 6p12.2.
Variant type: single nucleotide variant.
Coding change: c.3157G>C on transcript NM_138694.4 (MANE Select); coding-DNA position 3157, G replaced by C.
Protein change: p.Gly1053Arg; replaces glycine 1053 with arginine.
Molecular consequence: missense variant.
Genome position (GRCh38, 1-based): chr6:52,035,662, C>G on the plus strand (G>C on the coding strand, the complement: PKHD1 is on the minus strand). VCF-style: chr6-52035662-C-G. GRCh37 (hg19) VCF-style: chr6-51900460-C-G.
Other names: c.3157G>C, p.Gly1053Arg (NM_170724.3); short protein forms G1053R.
Identifiers: ClinVar variation 1962462 (VCV001962462.6), dbSNP rs1322231013, ClinGen allele CA364441772.